The following is an entry in ClinVar:

NM_021815.5(SLC5A7):c.1181C>G (p.Ala394Gly)

Gene: SLC5A7 (solute carrier family 5 member 7; plus strand). Cytogenetic location: 2q12.3.
Variant type: single nucleotide variant.
Coding change: c.1181C>G on transcript NM_021815.5 (MANE Select); coding-DNA position 1181, C replaced by G.
Protein change: p.Ala394Gly; replaces alanine 394 with glycine.
Molecular consequence: missense variant.
Genome position (GRCh38, 1-based): chr2:108,010,299, C>G. VCF-style: chr2-108010299-C-G. GRCh37 (hg19) VCF-style: chr2-108626755-C-G.
Other names: p.Ala394Gly; c.1181C>G, p.Ala394Gly (NM_001305005.3); c.866C>G, p.Ala289Gly (NM_001305006.3); c.440C>G, p.Ala147Gly (NM_001305007.3); short protein forms A147G, A394G, A289G.
Identifiers: ClinVar variation 941424 (VCV000941424.15), dbSNP rs750242187, ClinGen allele CA348114022.
Genomic context (GRCh38, chr2:108,010,299, plus strand): 5'-ACAAAGAAATCGTTTGGGTTATGCGAATCACAGTGTTTGTGTTTGGAGCATCTGCAACAG[C>G]CATGGCCTTGCTGACGAAAACTGTGTATGGGCTCTGGTACCTCAGTTCTGACCTTGTTTA-3'
Protein context (NP_068587.1, residues 384-404): TVFVFGASAT[Ala394Gly]MALLTKTVYG

ClinVar aggregate classification (germline): Uncertain significance. Review status: criteria provided, multiple submitters, no conflicts (2 of 4 stars). 3 submissions from 3 submitters: Uncertain significance (3). Last evaluated 2025-04-07.

Conditions:
Neuronopathy, distal hereditary motor, type 7A. Also called: HMN VIIA; SPINAL MUSCULAR ATROPHY, DISTAL, WITH VOCAL CORD PARALYSIS; Neuronopathy, distal hereditary motor, autosomal dominant 7; Neuronopathy, distal hereditary motor, type viia; NEURONOPATHY, DISTAL HEREDITARY MOTOR, HARDING TYPE VIIA; NEUROPATHY, DISTAL HEREDITARY MOTOR, HARDING TYPE VIIA. Identifiers: Orphanet 139589, MedGen C1834703, MONDO:0008024, OMIM 158580.
Congenital myasthenic syndrome 20. Also called: Myasthenic syndrome, congenital, 20, presynaptic. Identifiers: MedGen C4310694, MONDO:0014939, OMIM 617143.

Allele frequency attached by ClinVar (database versions not stated): gnomAD 0.00001; TOPMed 0.00001.
gnomAD v4.1: 12 of 1,613,850 alleles (0.00074%); highest among the groups gnomAD compares: Non-Finnish European, 0.00093%; no homozygotes.

Submissions (3):

Labcorp Genetics (formerly Invitae), Labcorp
Classification: Uncertain significance for Neuronopathy, distal hereditary motor, type 7A; Congenital myasthenic syndrome 20. Last evaluated: 2025-04-07. Review status: criteria provided, single submitter. Criteria: Invitae Variant Classification Sherloc (09022015). Collection method: clinical testing. Allele origin: germline.
Comment: This sequence change replaces alanine, which is neutral and non-polar, with glycine, which is neutral and non-polar, at codon 394 of the SLC5A7 protein (p.Ala394Gly). This variant is not present in population databases (gnomAD no frequency). This variant has not been reported in the literature in individuals affected with SLC5A7-related conditions. ClinVar contains an entry for this variant (Variation ID: 941424). Invitae Evidence Modeling of protein sequence and biophysical properties (such as structural, functional, and spatial information, amino acid conservation, physicochemical variation, residue mobility, and thermodynamic stability) indicates that this missense variant is not expected to disrupt SLC5A7 protein function with a negative predictive value of 80%. In summary, the available evidence is currently insufficient to determine the role of this variant in disease. Therefore, it has been classified as a Variant of Uncertain Significance.

Mayo Clinic Laboratories, Mayo Clinic
Classification: Uncertain significance. Last evaluated: 2025-02-20. Review status: criteria provided, single submitter. Criteria: ACMG Guidelines, 2015. Collection method: clinical testing. Allele origin: germline. Observed: 1 variant allele.
Comment: PM2_supporting

ARUP Laboratories, Molecular Genetics and Genomics, ARUP Laboratories
Classification: Uncertain significance. Last evaluated: 2021-02-27. Review status: criteria provided, single submitter. Criteria: ARUP Molecular Germline Variant Investigation Process 2021. Collection method: clinical testing. Allele origin: germline.
Comment: The SLC5A7 p.Ala394Gly variant (rs750242187), to our knowledge, has not been reported in the medical literature; however, this variant is listed in the ClinVar database (Variation ID: 941424). This variant is absent from general population databases (1000 Genomes Project, Exome Variant Server, and Genome Aggregation Database), indicating it is not a common polymorphism. The alanine at codon 394 is moderately conserved, and computational analyses are uncertain whether this variant is neutral or deleterious (REVEL: 0.362). Based on the available information, the clinical significance of this variant is uncertain.